The following is an entry in ClinVar:

NM_001440.4(EXTL3):c.1243T>G (p.Cys415Gly)

Gene: EXTL3 (exostosin like glycosyltransferase 3; plus strand). Cytogenetic location: 8p21.1.
Variant type: single nucleotide variant.
Coding change: c.1243T>G on transcript NM_001440.4 (MANE Select); coding-DNA position 1243, T replaced by G.
Protein change: p.Cys415Gly; replaces cysteine 415 with glycine.
Molecular consequence: missense variant.
Genome position (GRCh38, 1-based): chr8:28,717,302, T>G. VCF-style: chr8-28717302-T-G. GRCh37 (hg19) VCF-style: chr8-28574819-T-G.
Other names: short protein forms C415G.
Identifiers: ClinVar variation 2102706 (VCV002102706.4), dbSNP rs2486626637, ClinGen allele CA370858886.

ClinVar aggregate classification (germline): Uncertain significance (1 of 4 stars; one submission).

Submission:

Labcorp Genetics (formerly Invitae), Labcorp
Classification: Uncertain significance. Last evaluated: 2022-02-23. Review status: criteria provided, single submitter. Criteria: Invitae Variant Classification Sherloc (09022015). Collection method: clinical testing. Allele origin: germline.
Comment: This sequence change replaces cysteine, which is neutral and slightly polar, with glycine, which is neutral and non-polar, at codon 415 of the EXTL3 protein (p.Cys415Gly). This variant is not present in population databases (gnomAD no frequency). This variant has not been reported in the literature in individuals affected with EXTL3-related conditions. Algorithms developed to predict the effect of missense changes on protein structure and function are either unavailable or do not agree on the potential impact of this missense change (SIFT: "Deleterious"; PolyPhen-2: "Probably Damaging"; Align-GVGD: "Class C0"). In summary, the available evidence is currently insufficient to determine the role of this variant in disease. Therefore, it has been classified as a Variant of Uncertain Significance.